The following is an entry in ClinVar:

NM_006005.3(WFS1):c.804C>T (p.Asp268=)

Gene: WFS1 (wolframin ER transmembrane glycoprotein; plus strand). Cytogenetic location: 4p16.1.
Variant type: single nucleotide variant.
Coding change: c.804C>T on transcript NM_006005.3 (MANE Select); coding-DNA position 804, C replaced by T.
Protein change: p.Asp268=; no amino-acid change (aspartic acid 268 retained).
Molecular consequence: synonymous variant.
Genome position (GRCh38, 1-based): chr4:6,295,132, C>T. VCF-style: chr4-6295132-C-T. GRCh37 (hg19) VCF-style: chr4-6296859-C-T.
Other names: c.804C>T, p.Asp268= (NM_001145853.1).
Identifiers: ClinVar variation 907359 (VCV000907359.13), dbSNP rs199741678, ClinGen allele CA2839063.
Genomic context (GRCh38, chr4:6,295,132, plus strand): 5'-GGAGATCACTAAGAAGTACGCCAAGGGCGTCATCCCCAGCAGCCTGTTCCTGCAGGACGA[C>T]GAAGATGATGACGAGCTGGCGGGGAAGAGCCCTGAGGACCTGCCACTGCGTCTGAAGGTG-3'
Protein context (NP_005996.2, residues 258-278): VIPSSLFLQD[Asp268=]EDDDELAGKS

ClinVar aggregate classification (germline): Conflicting classifications of pathogenicity. Review status: criteria provided, conflicting classifications (1 of 4 stars). 5 submissions from 4 submitters: Uncertain significance (2); Benign (1); Likely benign (2). Last evaluated 2025-01-06.

Conditions:
Autosomal dominant nonsyndromic hearing loss 6 (LFSNHL). Also called: DEAFNESS, AUTOSOMAL DOMINANT 6; DEAFNESS, AUTOSOMAL DOMINANT 14; DEAFNESS, AUTOSOMAL DOMINANT 38; Autosomal dominant nonsyndromic deafness 6; DIDMOAD (Diabetes Insipidus, Diabetes Mellitus, Optic Atrophy, and Deafness). Identifiers: Orphanet 90635, MedGen C1833021, MONDO:0010963, OMIM 600965.
Wolfram syndrome 1 (WFS1). Identifiers: Orphanet 3463, MedGen C4551693, MONDO:0009101, OMIM 222300.
WFS1-Related Spectrum Disorders.

Allele frequency attached by ClinVar (database versions not stated): gnomAD 0.00001; TOPMed 0.00001; ExAC 0.00003; gnomAD exomes 0.00003; ESP Exome Variant Server 0.00008; 1000 Genomes Project 30x 0.00016; 1000 Genomes Project 0.00020.
gnomAD v4.1: 17 of 1,613,146 alleles (0.0011%); highest among the groups gnomAD compares: East Asian, 0.011%; no homozygotes.

Submissions (5):

Labcorp Genetics (formerly Invitae), Labcorp
Classification: Likely benign. Last evaluated: 2025-01-06. Review status: criteria provided, single submitter. Criteria: Invitae Variant Classification Sherloc (09022015). Collection method: clinical testing. Allele origin: germline.

GeneDx
Classification: Likely benign. Last evaluated: 2021-01-14. Review status: criteria provided, single submitter. Criteria: GeneDx Variant Classification Process June 2021. Collection method: clinical testing. Allele origin: germline. Affected: yes.
Comment: This variant is associated with the following publications: (PMID: 12955714)

Illumina Laboratory Services, Illumina
Classification: Uncertain significance for WFS1-Related Spectrum Disorders. Last evaluated: 2018-01-13. Review status: criteria provided, single submitter. Criteria: ICSL Variant Classification Criteria 13 December 2019. Collection method: clinical testing. Allele origin: germline.

Illumina Laboratory Services, Illumina
Classification: Uncertain significance for Autosomal dominant nonsyndromic hearing loss 6. Last evaluated: 2018-01-13. Review status: criteria provided, single submitter. Criteria: ICSL Variant Classification Criteria 13 December 2019. Collection method: clinical testing. Allele origin: germline.

Clinical Genomics, Uppaluri K&H Personalized Medicine Clinic
Classification: Benign for Wolfram syndrome 1. Review status: criteria provided, single submitter. Criteria: K & H Uppaluri Personalized Medicine Clinic Variant Classification & Assertion Criteria_Updated V.1. Collection method: research. Allele origin: unknown. Inheritance: Autosomal recessive inheritance.
Comment: Potent mutations in WFS1 gene are associated with Wolfram's syndrome, an autosomal recessive condition, which cause diabetes mellitus, diabetes insipidus, deafness and optic atrophy.However no sufficient evidence is found to ascertain the role of this particular variant rs199741678 in Wolfram's syndrome yet.

Literature cited by the submitters: PubMed 20738327 (cited by Clinical Genomics, Uppaluri K&H Personalized Medicine Clinic); PubMed 33879153 (cited by Clinical Genomics, Uppaluri K&H Personalized Medicine Clinic); PubMed 12955714 (cited by Clinical Genomics, Uppaluri K&H Personalized Medicine Clinic); PubMed 18060660 (cited by Clinical Genomics, Uppaluri K&H Personalized Medicine Clinic); PubMed 20301750 (cited by Clinical Genomics, Uppaluri K&H Personalized Medicine Clinic); PubMed 17603484 (cited by Clinical Genomics, Uppaluri K&H Personalized Medicine Clinic).